The following is an entry in ClinVar:

NM_177438.3(DICER1):c.3422C>G (p.Ser1141Cys)

Gene: DICER1 (dicer 1, ribonuclease III; minus strand). Cytogenetic location: 14q32.13.
Variant type: single nucleotide variant.
Coding change: c.3422C>G on transcript NM_177438.3 (MANE Select); coding-DNA position 3422, C replaced by G.
Protein change: p.Ser1141Cys; replaces serine 1141 with cysteine.
Molecular consequence: missense variant. On other transcripts: non-coding transcript variant (6).
Genome position (GRCh38, 1-based): chr14:95,103,974, G>C on the plus strand (C>G on the coding strand, the complement: DICER1 is on the minus strand). VCF-style: chr14-95103974-G-C. GRCh37 (hg19) VCF-style: chr14-95570311-G-C.
Other names: c.3422C>G, p.Ser1141Cys (NM_001395694.1, NM_001395695.1, NM_030621.4 and 13 more transcripts); c.3017C>G, p.Ser1006Cys (NM_001395696.1, NM_001395687.1, NM_001395688.1 and 2 more transcripts); c.1739C>G, p.Ser580Cys (NM_001395697.1); c.3140C>G, p.Ser1047Cys (NM_001395686.1); c.2855C>G, p.Ser952Cys (NM_001395691.1); short protein forms S580C, S1006C, S1047C, S1141C, S952C.
Identifiers: ClinVar variation 2695113 (VCV002695113.3), dbSNP rs780815020, ClinGen allele CA390875505.

ClinVar aggregate classification (germline): Uncertain significance (1 of 4 stars; one submission).

Conditions:
DICER1-related tumor predisposition. Also called: DICER1-related pleuropulmonary blastoma cancer predisposition syndrome; DICER1 syndrome. Identifiers: Orphanet 284343, MedGen C3839822, MONDO:0100216.

gnomAD v4.1: 1 of 1,614,192 alleles (0.000062%); highest among the groups gnomAD compares: Non-Finnish European, 0.000085%; no homozygotes.

Submission:

Labcorp Genetics (formerly Invitae), Labcorp
Classification: Uncertain significance for DICER1-related tumor predisposition. Last evaluated: 2023-11-11. Review status: criteria provided, single submitter. Criteria: Invitae Variant Classification Sherloc (09022015). Collection method: clinical testing. Allele origin: germline.
Comment: This sequence change replaces serine, which is neutral and polar, with cysteine, which is neutral and slightly polar, at codon 1141 of the DICER1 protein (p.Ser1141Cys). This variant is not present in population databases (gnomAD no frequency). This variant has not been reported in the literature in individuals affected with DICER1-related conditions. Advanced modeling of protein sequence and biophysical properties (such as structural, functional, and spatial information, amino acid conservation, physicochemical variation, residue mobility, and thermodynamic stability) performed at Invitae indicates that this missense variant is not expected to disrupt DICER1 protein function with a negative predictive value of 80%. In summary, the available evidence is currently insufficient to determine the role of this variant in disease. Therefore, it has been classified as a Variant of Uncertain Significance.